The following is an entry in ClinVar:

ClinVar aggregate classification (germline): Conflicting classifications of pathogenicity. Review status: criteria provided, conflicting classifications (1 of 4 stars). 3 submissions from 3 submitters: Uncertain significance (2); Likely benign (1). Last evaluated 2026-01-05.

Conditions:
Hereditary cancer-predisposing syndrome. Also called: Neoplastic Syndromes, Hereditary; Hereditary Cancer Syndrome; Tumor predisposition; Hereditary neoplastic syndrome. Identifiers: Orphanet 140162, MedGen C0027672, MeSH D009386, MONDO:0015356.
Familial cancer of breast. Also called: hereditary breast carcinoma; Hereditary breast cancer; BREAST CANCER, FAMILIAL. Identifiers: Orphanet 227535, MedGen C0346153, MONDO:0016419, OMIM 114480. Disease mechanism: loss of function.

Allele frequency attached by ClinVar (database versions not stated): gnomAD exomes below 0.00001.
gnomAD v4.1: 1 of 1,608,140 alleles (0.000062%); highest among the groups gnomAD compares: Non-Finnish European, 0.000085%; no homozygotes.

Submissions (3):

Labcorp Genetics (formerly Invitae), Labcorp
Classification: Uncertain significance for Familial cancer of breast. Last evaluated: 2026-01-05. Review status: criteria provided, single submitter. Criteria: Invitae Variant Classification Sherloc (09022015). Collection method: clinical testing. Allele origin: germline.
Comment: This sequence change replaces threonine, which is neutral and polar, with serine, which is neutral and polar, at codon 276 of the BARD1 protein (p.Thr276Ser). This variant is not present in population databases (gnomAD no frequency). This variant has not been reported in the literature in individuals affected with BARD1-related conditions. ClinVar contains an entry for this variant (Variation ID: 1036409). An algorithm developed to predict the effect of missense changes on protein structure and function outputs the following: PolyPhen-2: "Benign". The serine amino acid residue is found in multiple mammalian species, which suggests that this missense change does not adversely affect protein function. In summary, the available evidence is currently insufficient to determine the role of this variant in disease. Therefore, it has been classified as a Variant of Uncertain Significance.

Color Diagnostics, LLC DBA Color Health
Classification: Uncertain significance for Hereditary cancer-predisposing syndrome. Last evaluated: 2024-03-06. Review status: criteria provided, single submitter. Criteria: ACMG Guidelines, 2015. Collection method: clinical testing. Allele origin: germline.
Comment: This missense variant replaces threonine with serine at codon 276 of the BARD1 protein. Computational prediction suggests that this variant may not impact protein structure and function (internally defined REVEL score threshold <= 0.5, PMID: 27666373). To our knowledge, functional studies have not been reported for this variant. This variant has not been reported in individuals affected with hereditary cancer in the literature. This variant has not been identified in the general population by the Genome Aggregation Database (gnomAD). The available evidence is insufficient to determine the role of this variant in disease conclusively. Therefore, this variant is classified as a Variant of Uncertain Significance.

Ambry Genetics
Classification: Likely benign for Hereditary cancer-predisposing syndrome. Last evaluated: 2024-02-26. Review status: criteria provided, single submitter. Criteria: Ambry Variant Classification Scheme 2023. Collection method: clinical testing. Allele origin: germline.

NM_000465.4(BARD1):c.827C>G (p.Thr276Ser)

Gene: BARD1 (BRCA1 associated RING domain 1; minus strand). Cytogenetic location: 2q35.
Variant type: single nucleotide variant.
Coding change: c.827C>G on transcript NM_000465.4 (MANE Select); coding-DNA position 827, C replaced by G.
Protein change: p.Thr276Ser; replaces threonine 276 with serine.
Molecular consequence: missense variant. On other transcripts: non-coding transcript variant (2), intron variant (3).
Genome position (GRCh38, 1-based): chr2:214,781,047, G>C on the plus strand (C>G on the coding strand, the complement: BARD1 is on the minus strand). VCF-style: chr2-214781047-G-C. GRCh37 (hg19) VCF-style: chr2-215645771-G-C.
Other names: c.827C>G (NM_000465.2); c.770C>G, p.Thr257Ser (NM_001282543.2); c.158+28365C>G (NM_001282548.2); c.215+16014C>G (NM_001282545.2); c.364+11250C>G (NM_001282549.2); short protein forms T276S, T257S.
Identifiers: ClinVar variation 1036409 (VCV001036409.16), dbSNP rs1694989668, ClinGen allele CA350455415.